The following is an entry in ClinVar:

ClinVar aggregate classification (germline): Pathogenic (1 of 4 stars; one submission).

Conditions:
Early-infantile DEE. Also called: Early infantile epileptic encephalopathy; Ohtahara syndrome; Early infantile epileptic encephalopathy with suppression bursts. Identifiers: Orphanet 1934, MedGen C0393706, MONDO:0800491.

Submission:

Labcorp Genetics (formerly Invitae), Labcorp
Classification: Pathogenic for Early-infantile DEE. Last evaluated: 2022-08-25. Review status: criteria provided, single submitter. Criteria: Invitae Variant Classification Sherloc (09022015). Collection method: clinical testing. Allele origin: germline.
Comment: This variant is not present in population databases (gnomAD no frequency). This missense change has been observed in individual(s) with clinical features of Dravet syndrome (Invitae). In at least one individual the variant was observed to be de novo. Advanced modeling of protein sequence and biophysical properties (such as structural, functional, and spatial information, amino acid conservation, physicochemical variation, residue mobility, and thermodynamic stability) performed at Invitae indicates that this missense variant is expected to disrupt SCN1A protein function. For these reasons, this variant has been classified as Pathogenic. This sequence change replaces methionine, which is neutral and non-polar, with arginine, which is basic and polar, at codon 1856 of the SCN1A protein (p.Met1856Arg).

NM_001165963.4(SCN1A):c.5567T>G (p.Met1856Arg)

Genes: SCN1A (sodium voltage-gated channel alpha subunit 1; minus strand), LOC102724058 (uncharacterized LOC102724058; plus strand). Cytogenetic location: 2q24.3.
Variant type: single nucleotide variant.
Coding change: c.5567T>G on transcript NM_001165963.4 (MANE Select); coding-DNA position 5567, T replaced by G.
Protein change: p.Met1856Arg; replaces methionine 1856 with arginine.
Molecular consequence: missense variant. On other transcripts: non-coding transcript variant (1).
Genome position (GRCh38, 1-based): chr2:165,991,708, A>C on the plus strand (T>G on the coding strand, the complement: SCN1A is on the minus strand). VCF-style: chr2-165991708-A-C. GRCh37 (hg19) VCF-style: chr2-166848218-A-C.
Other names: c.5483T>G, p.Met1828Arg (NM_001165964.3, NM_001353957.2, NM_001353958.2); c.5567T>G, p.Met1856Arg (NM_001202435.3, NM_001353948.2); c.5534T>G, p.Met1845Arg (NM_001353949.2, NM_001353950.2, NM_001353951.2 and 2 more transcripts); c.5531T>G, p.Met1844Arg (NM_001353954.2, NM_001353955.2); c.5480T>G, p.Met1827Arg (NM_001353960.2); c.3125T>G, p.Met1042Arg (NM_001353961.2); short protein forms M1827R, M1845R, M1042R, M1856R, M1828R, M1844R.
Identifiers: ClinVar variation 2016301 (VCV002016301.4), dbSNP rs796053041, ClinGen allele CA349065425.